The following is an entry in ClinVar:

ClinVar aggregate classification (germline): Uncertain significance (1 of 4 stars; one submission).

gnomAD v4.1: 2 of 151,820 alleles (0.0013%); highest among the groups gnomAD compares: East Asian, 0.019%; no homozygotes.

Submission:

Women's Health and Genetics/Laboratory Corporation of America, LabCorp
Classification: Uncertain significance. Last evaluated: 2026-05-11. Review status: criteria provided, single submitter. Criteria: LabCorp Variant Classification Summary - May 2015. Collection method: clinical testing. Allele origin: germline.
Comment: Variant summary: PAK1 c.-208C>G is located in the untranslated mRNA region upstream of the initiation codon. The variant allele was found at a frequency of 6.4e-05 in 31078 control chromosomes. The available data on variant occurrences in the general population are insufficient to allow any conclusion about variant significance. To our knowledge, no occurrence of c.-208C>G in individuals affected with PAK1-related conditions and no experimental evidence demonstrating its impact on protein function have been reported. No submitters have cited clinical-significance assessments for this variant to ClinVar. Based on the evidence outlined above, the variant was classified as uncertain significance.

NM_002576.5(PAK1):c.-208C>G

Gene: PAK1 (p21 (RAC1) activated kinase 1; minus strand). Cytogenetic location: 11q14.1.
Variant type: single nucleotide variant.
Coding change: c.-208C>G on transcript NM_002576.5 (MANE Select); 208 bases upstream of the start codon, C replaced by G.
Molecular consequence: 5 prime UTR variant.
Genome position (GRCh38, 1-based): chr11:77,473,738, G>C on the plus strand (C>G on the coding strand, the complement: PAK1 is on the minus strand). VCF-style: chr11-77473738-G-C. GRCh37 (hg19) VCF-style: chr11-77184783-G-C.
Other names: c.-208C>G (NM_001128620.2, NM_001376290.1, NM_001376301.1); c.-205C>G (NM_001376268.1, NM_001376273.1); c.-383C>G (NM_001376276.1); c.-351C>G (NM_001376277.1); c.-515C>G (NM_001376280.1); c.-275C>G (NM_001376281.1); c.-300C>G (NM_001376282.1); c.-340C>G (NM_001376283.1); and 2 more.
Identifiers: ClinVar variation 4853313 (VCV004853313.1).